The following is an entry in ClinVar:

NM_000543.5(SMPD1):c.446_450del (p.Arg149fs)

Gene: SMPD1 (sphingomyelin phosphodiesterase 1; plus strand). Cytogenetic location: 11p15.4.
Variant type: Deletion.
Coding change: c.446_450del on transcript NM_000543.5 (MANE Select); coding-DNA positions 446 to 450, 5 bases deleted (GACGC; older notation c.446_450delGACGC).
Protein change: p.Arg149fs; shifts the reading frame from arginine 149.
Molecular consequence: frameshift variant. On other transcripts: 5 prime UTR variant (1), non-coding transcript variant (1).
Genome position (GRCh38, 1-based): chr11:6,391,511-6,391,515, GACGC deleted. VCF-style (leftmost placement, unchanged base first): chr11-6391510-AGACGC-A. GRCh37 (hg19) VCF-style: chr11-6412740-AGACGC-A.
Other names: c.443_447del, p.Arg148fs (NM_001007593.3); c.446_450del, p.Arg149fs (NM_001318087.2, NM_001365135.2); c.-516_-512del (NM_001318088.2); short protein forms R148fs, R149fs.
Identifiers: ClinVar variation 5011450 (VCV005011450.1).
Genomic context (GRCh38, chr11:6,391,510, plus strand): 5'-CCACCTGCCGTGTGCCAATCCATTGTCCACCTCTTTGAGGATGACATGGTGGAGGTGTGG[AGACGC>A]TCAGTGCTGAGCCCATCTGAGGCCTGTGGCCTGCTCCTGGGCTCCACCTGTGGGCACTGG-3'

ClinVar aggregate classification (germline): Pathogenic (1 of 4 stars; one submission).

Conditions:
Acid sphingomyelinase deficiency. Identifiers: Orphanet 618899, MedGen C5243927, MONDO:0100464.

Submission:

Myriad Genetics, Inc.
Classification: Pathogenic for Acid sphingomyelinase deficiency. Last evaluated: 2023-08-22. Review status: criteria provided, single submitter. Criteria: Myriad Autosomal Dominant, Autosomal Recessive and X-Linked Classification Criteria (2023). Collection method: clinical testing. Allele origin: unknown.
Comment: NM_000543.4(SMPD1):c.446_450del5(R149Ifs*7) is expected to be pathogenic in the context of Niemann-Pick disease, SMPD1-related. This variant is predicted to lead to an abnormal or absent protein product due to the creation of a premature termination codon in SMPD1, a gene where loss-of-function variants are known to be pathogenic. Please note: this variant was assessed in the context of healthy population screening.